The following is an entry in ClinVar:

ClinVar aggregate classification (germline): Uncertain significance (1 of 4 stars; one submission).

Conditions:
Inborn genetic diseases. Identifiers: MedGen C0950123, MeSH D030342.

gnomAD v4.1: 1 of 1,614,154 alleles (0.000062%); highest among the groups gnomAD compares: Non-Finnish European, 0.000085%; no homozygotes.

Submission:

Ambry Genetics
Classification: Uncertain significance for Inborn genetic diseases. Last evaluated: 2025-11-19. Review status: criteria provided, single submitter. Criteria: Ambry Variant Classification Scheme 2023. Collection method: clinical testing. Allele origin: germline.
Comment: The c.1975T>C (p.F659L) alteration is located in exon 10 (coding exon 10) of the EXT1 gene. This alteration results from a T to C substitution at nucleotide position 1975, causing the phenylalanine (F) at amino acid position 659 to be replaced by a leucine (L). Based on data from gnomAD, the C allele has an overall frequency of <0.001% (1/251454) total alleles studied. The highest observed frequency was 0.001% (1/113744) of European (non-Finnish) alleles. Based on insufficient or conflicting evidence, the clinical significance of this alteration remains unclear.

NM_000127.3(EXT1):c.1975T>C (p.Phe659Leu)

Gene: EXT1 (exostosin glycosyltransferase 1; minus strand). Cytogenetic location: 8q24.11.
Variant type: single nucleotide variant.
Coding change: c.1975T>C on transcript NM_000127.3 (MANE Select); coding-DNA position 1975, T replaced by C.
Protein change: p.Phe659Leu; replaces phenylalanine 659 with leucine.
Molecular consequence: missense variant.
Genome position (GRCh38, 1-based): chr8:117,804,802, A>G on the plus strand (T>C on the coding strand, the complement: EXT1 is on the minus strand). VCF-style: chr8-117804802-A-G. GRCh37 (hg19) VCF-style: chr8-118817041-A-G.
Other names: short protein forms F659L.
Identifiers: ClinVar variation 4618954 (VCV004618954.1).
Genomic context (GRCh38, chr8:117,804,802, plus strand): 5'-TATACTGCTTCTTCTGGGTCACTTTGATTGGAGGCAATTTTGTCACAGCAGACACCAGGA[A>G]GTTCATGAGAATGTCCTCACAATTGGCCAATTGGTCCACCATGTTCTTCAGGCTGGCTGG-3'
Protein context (NP_000118.2, residues 649-669): LANCEDILMN[Phe659Leu]LVSAVTKLPP